The following is an entry in ClinVar:

NM_001037.5(SCN1B):c.563C>T (p.Ala188Val)

Gene: SCN1B (sodium voltage-gated channel beta subunit 1; plus strand). Cytogenetic location: 19q13.11.
Variant type: single nucleotide variant.
Coding change: c.563C>T on transcript NM_001037.5 (MANE Select); coding-DNA position 563, C replaced by T.
Protein change: p.Ala188Val; replaces alanine 188 with valine.
Molecular consequence: missense variant.
Genome position (GRCh38, 1-based): chr19:35,039,231, C>T. VCF-style: chr19-35039231-C-T. GRCh37 (hg19) VCF-style: chr19-35530135-C-T.
Other names: c.464C>T, p.Ala155Val (NM_001321605.2); short protein forms A155V, A188V.
Identifiers: ClinVar variation 3669413 (VCV003669413.2).

ClinVar aggregate classification (germline): Uncertain significance (1 of 4 stars; one submission).

Conditions:
Brugada syndrome 5 (BRGDA5). Identifiers: Orphanet 130, Orphanet 871, MedGen C2748541, MONDO:0013015, OMIM 612838.

Submission:

Labcorp Genetics (formerly Invitae), Labcorp
Classification: Uncertain significance for Brugada syndrome 5. Last evaluated: 2024-02-20. Review status: criteria provided, single submitter. Criteria: Invitae Variant Classification Sherloc (09022015). Collection method: clinical testing. Allele origin: germline.
Comment: The SCN1B gene has multiple clinically relevant transcripts. This variant occurs in alternate transcript NM_001037.5, and corresponds to NM_199037.3:c.*5133C>T in the primary transcript. This sequence change replaces alanine, which is neutral and non-polar, with valine, which is neutral and non-polar, at codon 188 of the SCN1B protein (p.Ala188Val). This variant is not present in population databases (gnomAD no frequency). This variant has not been reported in the literature in individuals affected with SCN1B-related conditions. Experimental studies and prediction algorithms are not available or were not evaluated, and the functional significance of this variant is currently unknown. In summary, the available evidence is currently insufficient to determine the role of this variant in disease. Therefore, it has been classified as a Variant of Uncertain Significance.